The following is an entry in ClinVar:

ClinVar aggregate classification (germline): Uncertain significance (1 of 4 stars; one submission).

Submission:

GeneDx
Classification: Uncertain significance. Last evaluated: 2020-08-07. Review status: criteria provided, single submitter. Criteria: GeneDx Variant Classification Process June 2021. Collection method: clinical testing. Allele origin: germline. Affected: yes.
Comment: Not observed in large population cohorts (Lek et al., 2016); In silico analysis, which includes protein predictors and evolutionary conservation, supports that this variant does not alter protein structure/function; Has not been previously published as pathogenic or benign to our knowledge

NM_001042681.2(RERE):c.3573G>T (p.Glu1191Asp)

Gene: RERE (arginine-glutamic acid dipeptide repeats; minus strand). Cytogenetic location: 1p36.23.
Variant type: single nucleotide variant.
Coding change: c.3573G>T on transcript NM_001042681.2 (MANE Select); coding-DNA position 3573, G replaced by T.
Protein change: p.Glu1191Asp; replaces glutamic acid 1191 with aspartic acid.
Molecular consequence: missense variant.
Genome position (GRCh38, 1-based): chr1:8,359,809, C>A on the plus strand (G>T on the coding strand, the complement: RERE is on the minus strand). VCF-style: chr1-8359809-C-A. GRCh37 (hg19) VCF-style: chr1-8419869-C-A.
Other names: c.1911G>T, p.Glu637Asp (NM_001042682.2); c.3573G>T, p.Glu1191Asp (NM_012102.4); short protein forms E1191D, E637D.
Identifiers: ClinVar variation 1311545 (VCV001311545.2), dbSNP rs2124364236, ClinGen allele CA338170288.